The following is an entry in ClinVar:

NM_001123385.2(BCOR):c.1260T>A (p.Asp420Glu)

Genes: BCOR (BCL6 corepressor; minus strand), LOC126863239 (MED14-independent group 3 enhancer GRCh37_chrX:39932994-39934193; plus strand). Cytogenetic location: Xp11.4.
Variant type: single nucleotide variant.
Coding change: c.1260T>A on transcript NM_001123385.2 (MANE Select); coding-DNA position 1260, T replaced by A.
Protein change: p.Asp420Glu; replaces aspartic acid 420 with glutamic acid.
Molecular consequence: missense variant.
Genome position (GRCh38, 1-based): chrX:40,074,086, A>T on the plus strand (T>A on the coding strand, the complement: BCOR is on the minus strand). VCF-style: chrX-40074086-A-T. GRCh37 (hg19) VCF-style: chrX-39933339-A-T.
Other names: c.1260T>A, p.Asp420Glu (NM_001123383.2, NM_001123384.2, NM_017745.6); short protein forms D420E.
Identifiers: ClinVar variation 2954636 (VCV002954636.3), dbSNP rs5917933, ClinGen allele CA412746972.

ClinVar aggregate classification (germline): Uncertain significance (1 of 4 stars; one submission).

Conditions:
Oculofaciocardiodental syndrome (MCOPS2). Identifiers: Orphanet 2712, MedGen C1846265, MONDO:0010261, OMIM 300166.

Submission:

Labcorp Genetics (formerly Invitae), Labcorp
Classification: Uncertain significance for Oculofaciocardiodental syndrome. Last evaluated: 2022-12-31. Review status: criteria provided, single submitter. Criteria: Invitae Variant Classification Sherloc (09022015). Collection method: clinical testing. Allele origin: germline.
Comment: The frequency data for this variant in the population databases is considered unreliable, as metrics indicate poor data quality at this position in the gnomAD database. In summary, the available evidence is currently insufficient to determine the role of this variant in disease. Therefore, it has been classified as a Variant of Uncertain Significance. Algorithms developed to predict the effect of missense changes on protein structure and function are either unavailable or do not agree on the potential impact of this missense change (SIFT: "Deleterious"; PolyPhen-2: "Benign"; Align-GVGD: "Class C35"). This variant has not been reported in the literature in individuals affected with BCOR-related conditions. This sequence change replaces aspartic acid, which is acidic and polar, with glutamic acid, which is acidic and polar, at codon 420 of the BCOR protein (p.Asp420Glu).